The following is an entry in ClinVar:

NM_016599.5(MYOZ2):c.77-14A>G

Gene: MYOZ2 (myozenin 2; plus strand). Cytogenetic location: 4q26.
Variant type: single nucleotide variant.
Coding change: c.77-14A>G on transcript NM_016599.5 (MANE Select); 14 bases into the intron before coding-DNA position 77, A replaced by G.
Molecular consequence: intron variant.
Genome position (GRCh38, 1-based): chr4:119,150,858, A>G. VCF-style: chr4-119150858-A-G. GRCh37 (hg19) VCF-style: chr4-120072013-A-G.
Identifiers: ClinVar variation 45789 (VCV000045789.5), dbSNP rs397517291, ClinGen allele CA137045.

ClinVar aggregate classification (germline): Uncertain significance (1 of 4 stars; one submission).

Allele frequency attached by ClinVar (database versions not stated): gnomAD exomes below 0.00001.
gnomAD v4.1: 2 of 1,612,174 alleles (0.00012%); highest among the groups gnomAD compares: South Asian, 0.0022%; no homozygotes.

Submission:

Laboratory for Molecular Medicine, Mass General Brigham Personalized Medicine
Classification: Uncertain significance. Last evaluated: 2013-07-18. Review status: criteria provided, single submitter. Criteria: LMM Criteria. Collection method: clinical testing. Allele origin: germline. Observed: 2 variant alleles.
Comment: This variant is located in the 3' splice region. Computational tool s do not suggest an impact to splicing, though this information is not predictiv e enough to rule out pathogenicity. Additional information is needed to fully as sess the clinical significance of this variant.